The following is an entry in ClinVar:

NM_001018115.3(FANCD2):c.4016A>C (p.His1339Pro)

Genes: FANCD2 (FA complementation group D2; plus strand), FANCD2OS (FANCD2 opposite strand; minus strand). Cytogenetic location: 3p25.3.
Variant type: single nucleotide variant.
Coding change: c.4016A>C on transcript NM_001018115.3 (MANE Select); coding-DNA position 4016, A replaced by C.
Protein change: p.His1339Pro; replaces histidine 1339 with proline.
Molecular consequence: missense variant. On other transcripts: intron variant (1).
Genome position (GRCh38, 1-based): chr3:10,095,252, A>C. VCF-style: chr3-10095252-A-C. GRCh37 (hg19) VCF-style: chr3-10136936-A-C.
Other names: c.4016A>C, p.His1339Pro (NM_001319984.2, NM_033084.6); c.3905A>C, p.His1302Pro (NM_001374253.1); c.3977A>C, p.His1326Pro (NM_001374254.1); c.*43+8946T>G (NM_173472.2); short protein forms H1339P, H1302P, H1326P.
Identifiers: ClinVar variation 574428 (VCV000574428.9), dbSNP rs1559408827, ClinGen allele CA351757313.

ClinVar aggregate classification (germline): Uncertain significance (1 of 4 stars; one submission).

Conditions:
Fanconi anemia (FA). Also called: Fanconi's anemia. Identifiers: Orphanet 84, MedGen C0015625, MeSH D005199, MONDO:0019391.

gnomAD v4.1: 1 of 1,614,150 alleles (0.000062%); no homozygotes.

Submission:

Labcorp Genetics (formerly Invitae), Labcorp
Classification: Uncertain significance for Fanconi anemia. Last evaluated: 2022-04-19. Review status: criteria provided, single submitter. Criteria: Invitae Variant Classification Sherloc (09022015). Collection method: clinical testing. Allele origin: germline.
Comment: This sequence change replaces histidine, which is basic and polar, with proline, which is neutral and non-polar, at codon 1339 of the FANCD2 protein (p.His1339Pro). This variant is not present in population databases (gnomAD no frequency). This variant has not been reported in the literature in individuals affected with FANCD2-related conditions. ClinVar contains an entry for this variant (Variation ID: 574428). Algorithms developed to predict the effect of missense changes on protein structure and function are either unavailable or do not agree on the potential impact of this missense change (SIFT: "Deleterious"; PolyPhen-2: "Probably Damaging"; Align-GVGD: "Class C0"). In summary, the available evidence is currently insufficient to determine the role of this variant in disease. Therefore, it has been classified as a Variant of Uncertain Significance.